The following is an entry in ClinVar:

NM_001458.5(FLNC):c.7142A>G (p.Tyr2381Cys)

Genes: FLNC (filamin C; plus strand), FLNC-AS1 (FLNC antisense RNA 1; minus strand). Cytogenetic location: 7q32.1.
Variant type: single nucleotide variant.
Coding change: c.7142A>G on transcript NM_001458.5 (MANE Select); coding-DNA position 7142, A replaced by G.
Protein change: p.Tyr2381Cys; replaces tyrosine 2381 with cysteine.
Molecular consequence: missense variant.
Genome position (GRCh38, 1-based): chr7:128,855,205, A>G. VCF-style: chr7-128855205-A-G. GRCh37 (hg19) VCF-style: chr7-128495259-A-G.
Other names: c.7043A>G, p.Tyr2348Cys (NM_001127487.2); short protein forms Y2348C, Y2381C.
Identifiers: ClinVar variation 2935536 (VCV002935536.3), dbSNP rs1221481252, ClinGen allele CA369215528.
Genomic context (GRCh38, chr7:128,855,205, plus strand): 5'-CCCGCCCTGCCAACCTCCATCCCGGAACCTGTGCTGACTGGTCTCTCTCCCCAGGTGACT[A>G]TGAGGTCTCCATCAAGTTCAATGATGAGCACATCCCAGACAGCCCCTTTGTGGTGCCTGT-3'
Protein context (NP_001449.3, residues 2371-2391): VSYVVQEPGD[Tyr2381Cys]EVSIKFNDEH

ClinVar aggregate classification (germline): Uncertain significance (1 of 4 stars; one submission).

Conditions:
Myofibrillar myopathy 5. Also called: Filaminopathy (type); FILAMINOPATHY, AUTOSOMAL DOMINANT. Identifiers: Orphanet 171445, MedGen C1836050, MONDO:0012289, OMIM 609524.
Distal myopathy with posterior leg and anterior hand involvement. Also called: WILLIAMS DISTAL MYOPATHY. Identifiers: Orphanet 63273, MedGen C3279722, MONDO:0013550, OMIM 614065.
Hypertrophic cardiomyopathy 26. Also called: Cardiomyopathy, familial hypertrophic, 26. Identifiers: Orphanet 75249, MedGen C4310749, MONDO:0014883, OMIM 617047.

Allele frequency attached by ClinVar (database versions not stated): gnomAD 0.00001.
gnomAD v4.1: 2 of 1,608,914 alleles (0.00012%); no homozygotes.

Submission:

Labcorp Genetics (formerly Invitae), Labcorp
Classification: Uncertain significance for Distal myopathy with posterior leg and anterior hand involvement; Myofibrillar myopathy 5; Hypertrophic cardiomyopathy 26. Last evaluated: 2023-08-11. Review status: criteria provided, single submitter. Criteria: Invitae Variant Classification Sherloc (09022015). Collection method: clinical testing. Allele origin: germline.
Comment: In summary, the available evidence is currently insufficient to determine the role of this variant in disease. Therefore, it has been classified as a Variant of Uncertain Significance. Advanced modeling of protein sequence and biophysical properties (such as structural, functional, and spatial information, amino acid conservation, physicochemical variation, residue mobility, and thermodynamic stability) has been performed at Invitae for this missense variant, however the output from this modeling did not meet the statistical confidence thresholds required to predict the impact of this variant on FLNC protein function. This variant has not been reported in the literature in individuals affected with FLNC-related conditions. This variant is present in population databases (no rsID available, gnomAD 0.06%). This sequence change replaces tyrosine, which is neutral and polar, with cysteine, which is neutral and slightly polar, at codon 2381 of the FLNC protein (p.Tyr2381Cys).